The following is an entry in ClinVar:

ClinVar aggregate classification (germline): Uncertain significance. Review status: criteria provided, multiple submitters, no conflicts (2 of 4 stars). 4 submissions from 4 submitters: Uncertain significance (4). Last evaluated 2025-03-20.

Conditions:
Cardiovascular phenotype. Identifiers: MedGen CN230736.
Dilated cardiomyopathy 1DD (CMD1DD). Identifiers: Orphanet 154, MedGen C2750995, MONDO:0013168, OMIM 613172.

Allele frequency attached by ClinVar (database versions not stated): gnomAD exomes 0.00001.
gnomAD v4.1: 13 of 1,551,676 alleles (0.00084%); highest among the groups gnomAD compares: Non-Finnish European, 0.0011%; no homozygotes.

Submissions (4):

Ambry Genetics
Classification: Uncertain significance for Cardiovascular phenotype. Last evaluated: 2025-03-20. Review status: criteria provided, single submitter. Criteria: Ambry Variant Classification Scheme 2023. Collection method: clinical testing. Allele origin: germline.
Comment: The p.E728G variant (also known as c.2183A>G), located in coding exon 9 of the RBM20 gene, results from an A to G substitution at nucleotide position 2183. The glutamic acid at codon 728 is replaced by glycine, an amino acid with similar properties. This variant was detected in a cardiomyopathy/arrhythmia genetic testing cohort; however, clinical details were limited, and additional cardiac variants were detected in some cases (van Lint FHM et al. Neth Heart J, 2019 Jun;27:304-309).This amino acid position is not well conserved in available vertebrate species. In addition, this alteration is predicted to be tolerated by in silico analysis. Based on the available evidence, the clinical significance of this variant remains unclear.

Labcorp Genetics (formerly Invitae), Labcorp
Classification: Uncertain significance for Dilated cardiomyopathy 1DD. Last evaluated: 2023-10-23. Review status: criteria provided, single submitter. Criteria: Invitae Variant Classification Sherloc (09022015). Collection method: clinical testing. Allele origin: germline.
Comment: This sequence change replaces glutamic acid, which is acidic and polar, with glycine, which is neutral and non-polar, at codon 728 of the RBM20 protein (p.Glu728Gly). This variant is present in population databases (no rsID available, gnomAD 0.002%). This missense change has been observed in individual(s) with dilated cardiomyopathy (PMID: 31737537). ClinVar contains an entry for this variant (Variation ID: 1023722). Advanced modeling of protein sequence and biophysical properties (such as structural, functional, and spatial information, amino acid conservation, physicochemical variation, residue mobility, and thermodynamic stability) performed at Invitae indicates that this missense variant is not expected to disrupt RBM20 protein function. In summary, the available evidence is currently insufficient to determine the role of this variant in disease. Therefore, it has been classified as a Variant of Uncertain Significance.

Blueprint Genetics
Classification: Uncertain significance. Last evaluated: 2023-02-28. Review status: criteria provided, single submitter. Criteria: ACMG Guidelines, 2015. Collection method: clinical testing. Allele origin: germline.

Fulgent Genetics
Classification: Uncertain significance for Dilated cardiomyopathy 1DD. Last evaluated: 2021-08-31. Review status: criteria provided, single submitter. Criteria: ACMG Guidelines, 2015. Collection method: clinical testing. Allele origin: unknown.

Literature cited by the submitters: PubMed 30847666 (cited by Ambry Genetics); PubMed 31737537 (cited by Labcorp Genetics (formerly Invitae), Labcorp).

NM_001134363.3(RBM20):c.2183A>G (p.Glu728Gly)

Gene: RBM20 (RNA binding motif protein 20; plus strand). Cytogenetic location: 10q25.2.
Variant type: single nucleotide variant.
Coding change: c.2183A>G on transcript NM_001134363.3 (MANE Select); coding-DNA position 2183, A replaced by G.
Protein change: p.Glu728Gly; replaces glutamic acid 728 with glycine.
Molecular consequence: missense variant.
Genome position (GRCh38, 1-based): chr10:110,812,580, A>G. VCF-style: chr10-110812580-A-G. GRCh37 (hg19) VCF-style: chr10-112572338-A-G.
Other names: c.2183A>G (NM_001134363.1); short protein forms E728G.
Identifiers: ClinVar variation 1023722 (VCV001023722.10), dbSNP rs1161452943, ClinGen allele CA378372430.